The following is an entry in ClinVar:

NM_000059.4(BRCA2):c.3946_3947del (p.Asn1316fs)

Gene: BRCA2 (BRCA2 DNA repair associated; plus strand). Cytogenetic location: 13q13.1.
Variant type: Deletion.
Coding change: c.3946_3947del on transcript NM_000059.4 (MANE Select); coding-DNA positions 3946 to 3947, 2 bases deleted (AA; older notation c.3946_3947delAA).
Protein change: p.Asn1316fs; shifts the reading frame from asparagine 1316.
Molecular consequence: frameshift variant.
Genome position (GRCh38, 1-based): chr13:32,338,301-32,338,302, AA deleted; deleting any 2 consecutive bases within chr13:32,338,300-32,338,302 gives the same sequence; the c. name uses the placement nearest the transcript's 3' end. VCF-style (leftmost placement, unchanged base first): chr13-32338299-GAA-G. GRCh37 (hg19) VCF-style: chr13-32912436-GAA-G.
Other names: c.3946_3947delAA, p.Asn1316Tyrfs (NM_001406719.1, NM_001406720.1); short protein forms N1316fs.
Identifiers: ClinVar variation 1736384 (VCV001736384.2), dbSNP rs2548527251, ClinGen allele CA2580087231.

ClinVar aggregate classification (germline): Pathogenic (1 of 4 stars; one submission).

Conditions:
Hereditary cancer-predisposing syndrome. Also called: Neoplastic Syndromes, Hereditary; Tumor predisposition; Hereditary Cancer Syndrome; Hereditary neoplastic syndrome. Identifiers: Orphanet 140162, MedGen C0027672, MeSH D009386, MONDO:0015356.

Submission:

Ambry Genetics
Classification: Pathogenic for Hereditary cancer-predisposing syndrome. Last evaluated: 2019-10-01. Review status: criteria provided, single submitter. Criteria: Ambry Variant Classification Scheme 2023. Collection method: clinical testing. Allele origin: germline.
Comment: The c.3946_3947delAA pathogenic mutation, located in coding exon 10 of the BRCA2 gene, results from a deletion of two nucleotides at nucleotide positions 3946 to 3947, causing a translational frameshift with a predicted alternate stop codon (p.Asn1316Tyrfs*2). This alteration is expected to result in loss of function by premature protein truncation or nonsense-mediated mRNA decay. As such, this alteration is interpreted as a disease-causing mutation.